The following is an entry in ClinVar:

NM_024685.4(BBS10):c.426C>T (p.Asp142=)

Gene: BBS10 (Bardet-Biedl syndrome 10; minus strand). Cytogenetic location: 12q21.2.
Variant type: single nucleotide variant.
Coding change: c.426C>T on transcript NM_024685.4 (MANE Select); coding-DNA position 426, C replaced by T.
Protein change: p.Asp142=; no amino-acid change (aspartic acid 142 retained).
Molecular consequence: synonymous variant.
Genome position (GRCh38, 1-based): chr12:76,347,559, G>A on the plus strand (C>T on the coding strand, the complement: BBS10 is on the minus strand). VCF-style: chr12-76347559-G-A. GRCh37 (hg19) VCF-style: chr12-76741339-G-A.
Other names: c.426C>T (NM_024685.3).
Identifiers: ClinVar variation 1575082 (VCV001575082.9), dbSNP rs770799633, ClinGen allele CA6694350.

ClinVar aggregate classification (germline): Likely benign. Review status: criteria provided, multiple submitters, no conflicts (2 of 4 stars). 2 submissions from 2 submitters: Likely benign (2). Last evaluated 2026-05-13.

Conditions:
Bardet-Biedl syndrome (BBS). Identifiers: Orphanet 110, MedGen C0752166, MONDO:0015229.
BBS10-related disorder. Also called: BBS10-related condition.

gnomAD v4.1: 7 of 1,613,526 alleles (0.00043%); highest among the groups gnomAD compares: South Asian, 0.0011%; no homozygotes.

Submissions (2):

PreventionGenetics, part of Exact Sciences
Classification: Likely benign for BBS10-related condition. Last evaluated: 2026-05-13. Review status: criteria provided, single submitter. Criteria: ACMG Guidelines, 2015. Collection method: clinical testing. Allele origin: germline.
Comment: This variant is classified as likely benign based on ACMG/AMP sequence variant interpretation guidelines (Richards et al. 2015 PMID: 25741868, with internal and published modifications).

Labcorp Genetics (formerly Invitae), Labcorp
Classification: Likely benign for Bardet-Biedl syndrome. Last evaluated: 2021-07-31. Review status: criteria provided, single submitter. Criteria: Invitae Variant Classification Sherloc (09022015). Collection method: clinical testing. Allele origin: germline.